The following is an entry in ClinVar:

ClinVar aggregate classification (germline): Uncertain significance (1 of 4 stars; one submission).

Conditions:
Joubert syndrome. Also called: CEREBELLOPARENCHYMAL DISORDER IV; JOUBERT-BOLTSHAUSER SYNDROME; Familial aplasia of the vermis. Identifiers: Orphanet 475, MedGen C5979921, MONDO:0018772.
Meckel-Gruber syndrome. Also called: DYSENCEPHALIA SPLANCHNOCYSTICA; GRUBER SYNDROME; Dysencephalia splachnocystica. Identifiers: Orphanet 564, MedGen C0265215, MONDO:0018921.
Nephronophthisis. Also called: Juvenile Nephronophthisis. Identifiers: Orphanet 655, MedGen C0687120, MONDO:0019005, HP:0000090.

Allele frequency attached by ClinVar (database versions not stated): TOPMed below 0.00001; gnomAD 0.00001; gnomAD exomes below 0.00001.
gnomAD v4.1: 2 of 1,610,888 alleles (0.00012%); highest among the groups gnomAD compares: African/African-American, 0.0027%; no homozygotes.

Submission:

Labcorp Genetics (formerly Invitae), Labcorp
Classification: Uncertain significance for Joubert syndrome; Meckel-Gruber syndrome; Nephronophthisis. Last evaluated: 2022-10-17. Review status: criteria provided, single submitter. Criteria: Invitae Variant Classification Sherloc (09022015). Collection method: clinical testing. Allele origin: germline.
Comment: This sequence change replaces leucine, which is neutral and non-polar, with valine, which is neutral and non-polar, at codon 1118 of the CEP290 protein (p.Leu1118Val). This variant is present in population databases (no rsID available, gnomAD 0.007%). This variant has not been reported in the literature in individuals affected with CEP290-related conditions. Advanced modeling of protein sequence and biophysical properties (such as structural, functional, and spatial information, amino acid conservation, physicochemical variation, residue mobility, and thermodynamic stability) performed at Invitae indicates that this missense variant is expected to disrupt CEP290 protein function. In summary, the available evidence is currently insufficient to determine the role of this variant in disease. Therefore, it has been classified as a Variant of Uncertain Significance.

NM_025114.4(CEP290):c.3352T>G (p.Leu1118Val)

Gene: CEP290 (centrosomal protein 290; minus strand). Cytogenetic location: 12q21.32.
Variant type: single nucleotide variant.
Coding change: c.3352T>G on transcript NM_025114.4 (MANE Select); coding-DNA position 3352, T replaced by G.
Protein change: p.Leu1118Val; replaces leucine 1118 with valine.
Molecular consequence: missense variant.
Genome position (GRCh38, 1-based): chr12:88,092,790, A>C on the plus strand (T>G on the coding strand, the complement: CEP290 is on the minus strand). VCF-style: chr12-88092790-A-C. GRCh37 (hg19) VCF-style: chr12-88486567-A-C.
Other names: short protein forms L1118V.
Identifiers: ClinVar variation 1966204 (VCV001966204.2), dbSNP rs1323441443, ClinGen allele CA386004541.